The following is an entry in ClinVar:

ClinVar aggregate classification (germline): Uncertain significance (1 of 4 stars; one submission).

Conditions:
Multiple sulfatase deficiency (MSD). Also called: Multiple Sulfatase Deficiency Disease; Sulfatidosis, Juvenile, Austin Type; Mucosulfatidosis. Identifiers: Orphanet 585, MedGen C0268263, MONDO:0010088, OMIM 272200.

Allele frequency attached by ClinVar (database versions not stated): gnomAD exomes 0.00001; TOPMed 0.00001.
gnomAD v4.1: 16 of 1,613,762 alleles (0.00099%); highest among the groups gnomAD compares: Middle Eastern, 0.017%; no homozygotes.

Submission:

Labcorp Genetics (formerly Invitae), Labcorp
Classification: Uncertain significance for Multiple sulfatase deficiency. Last evaluated: 2021-12-24. Review status: criteria provided, single submitter. Criteria: Invitae Variant Classification Sherloc (09022015). Collection method: clinical testing. Allele origin: germline.
Comment: This sequence change falls in intron 3 of the SUMF1 gene. It does not directly change the encoded amino acid sequence of the SUMF1 protein. This variant is present in population databases (rs767761382, gnomAD 0.0009%). This variant has not been reported in the literature in individuals affected with SUMF1-related conditions. Algorithms developed to predict the effect of sequence changes on RNA splicing suggest that this variant may disrupt the consensus splice site. In summary, the available evidence is currently insufficient to determine the role of this variant in disease. Therefore, it has been classified as a Variant of Uncertain Significance.

NM_182760.4(SUMF1):c.520-4T>G

Gene: SUMF1 (sulfatase modifying factor 1; minus strand). Cytogenetic location: 3p26.1.
Variant type: single nucleotide variant.
Coding change: c.520-4T>G on transcript NM_182760.4 (MANE Select); 4 bases into the intron before coding-DNA position 520, T replaced by G.
Molecular consequence: intron variant.
Genome position (GRCh38, 1-based): chr3:4,420,150, A>C on the plus strand (T>G on the coding strand, the complement: SUMF1 is on the minus strand). VCF-style: chr3-4420150-A-C. GRCh37 (hg19) VCF-style: chr3-4461834-A-C.
Other names: c.445-4T>G (NM_001164674.2); c.520-4T>G (NM_001164675.2).
Identifiers: ClinVar variation 2152538 (VCV002152538.1), dbSNP rs767761382, ClinGen allele CA68804027.